The following is an entry in ClinVar:

NM_000228.3(LAMB3):c.1818dup (p.Ala607fs)

Gene: LAMB3 (laminin subunit beta 3; minus strand). Cytogenetic location: 1q32.2.
Variant type: Duplication.
Coding change: c.1818dup on transcript NM_000228.3 (MANE Select); coding-DNA position 1818, one base duplicated (C; older notation c.1818dupC).
Protein change: p.Ala607fs; shifts the reading frame from alanine 607.
Molecular consequence: frameshift variant.
Genome position (GRCh38, 1-based): chr1:209,625,806, G duplicated on the plus strand (C on the coding strand, the reverse complement: LAMB3 is on the minus strand); the first of 2 consecutive G bases (chr1:209,625,806-209,625,807); duplicating either gives the same sequence. VCF-style (leftmost placement, unchanged base first): chr1-209625805-C-CG. GRCh37 (hg19) VCF-style: chr1-209799150-C-CG.
Other names: c.1818dup, p.Ala607fs (NM_001017402.2, NM_001127641.1); short protein forms A607fs.
Identifiers: ClinVar variation 5012067 (VCV005012067.1).

ClinVar aggregate classification (germline): Pathogenic (1 of 4 stars; one submission).

Conditions:
Junctional epidermolysis bullosa. Identifiers: Orphanet 305, MedGen C0079301, MONDO:0017612.

Submission:

Myriad Genetics, Inc.
Classification: Pathogenic for Junctional epidermolysis bullosa. Last evaluated: 2023-09-27. Review status: criteria provided, single submitter. Criteria: Myriad Autosomal Dominant, Autosomal Recessive and X-Linked Classification Criteria (2023). Collection method: clinical testing. Allele origin: unknown.
Comment: NM_000228.2(LAMB3):c.1818dupC(A607Rfs*24) is expected to be pathogenic in the context of junctional epidermolysis bullosa, LAMB3-related. This variant is predicted to lead to an abnormal or absent protein product due to the creation of a premature termination codon in LAMB3, a gene where loss-of-function variants are known to be pathogenic. Please note: this variant was assessed in the context of healthy population screening.